The following is an entry in ClinVar:

NM_024928.5(STN1):c.419del (p.Thr140fs)

Gene: STN1 (STN1 subunit of CST complex; minus strand). Cytogenetic location: 10q24.33.
Variant type: Deletion.
Coding change: c.419del on transcript NM_024928.5 (MANE Select); coding-DNA position 419, one base deleted (C; older notation c.419delC).
Protein change: p.Thr140fs; shifts the reading frame from threonine 140.
Molecular consequence: frameshift variant.
Genome position (GRCh38, 1-based): chr10:103,900,100, G deleted on the plus strand (C on the coding strand, the reverse complement: STN1 is on the minus strand). VCF-style (leftmost placement, unchanged base first): chr10-103900099-TG-T. GRCh37 (hg19) VCF-style: chr10-105659857-TG-T.
Other names: short protein forms T140fs.
Identifiers: ClinVar variation 2635973 (VCV002635973.2), dbSNP rs2493038311, ClinGen allele CA471336809.

ClinVar aggregate classification (germline): Uncertain significance (1 of 4 stars; one submission).

Conditions:
STN1-related disorder. Also called: STN1-related condition.

Allele frequency attached by ClinVar (database versions not stated): gnomAD exomes below 0.00001.

Submission:

PreventionGenetics, part of Exact Sciences
Classification: Uncertain significance for STN1-related condition. Last evaluated: 2025-02-28. Review status: criteria provided, single submitter. Criteria: ACMG Guidelines, 2015. Collection method: clinical testing. Allele origin: germline.
Comment: The STN1 c.419delC variant is predicted to result in a frameshift and premature protein termination (p.Thr140Asnfs*48). To our knowledge, this variant has not been reported in the literature or in a large population database (gnomAD), indicating this variant is rare. Few chain-terminating variants in STN1 are reported and loss of function has not been conclusively established as a mechanism for STN1-related disorders. Although we suspect that this variant may be pathogenic, at this time, the clinical significance of this variant is uncertain due to the absence of conclusive functional and genetic evidence.